The following is an entry in ClinVar:

NC_000014.8:g.(?_65543194)_(65569057_?)del

Gene: MAX (MYC associated transcriptional regulator X; minus strand). Cytogenetic location: 14q23.3.
Variant type: Deletion.
Identifiers: ClinVar variation 3243969 (VCV003243969.1).

ClinVar aggregate classification (germline): Pathogenic (1 of 4 stars; one submission).

Conditions:
Hereditary pheochromocytoma and paraganglioma. Also called: Hereditary paragangliomas and pheochromocytomas; Hereditary Paraganglioma-Pheochromocytoma Syndromes; Hereditary pheochromocytoma-paraganglioma. Identifiers: Orphanet 29072, MedGen C4274332, MONDO:0017366.

Submission:

Labcorp Genetics (formerly Invitae), Labcorp
Classification: Pathogenic for Hereditary pheochromocytoma and paraganglioma. Last evaluated: 2022-12-22. Review status: criteria provided, single submitter. Criteria: Invitae Variant Classification Sherloc (09022015). Collection method: clinical testing. Allele origin: unknown.
Comment: A gross deletion of the genomic region encompassing the full coding sequence of the MAX gene has been identified. Loss-of-function variants in MAX are known to be pathogenic (PMID: 21685915, 26070438). The boundaries of this event are unknown as they extend beyond the assayed region for this gene and therefore may encompass additional genes. For these reasons, this variant has been classified as Pathogenic. A similar copy number variant has been observed in individual(s) with pheochromocytoma (PMID: 22452945).

Literature cited by the submitters: PubMed 21685915; PubMed 26070438; PubMed 22452945.